The following is an entry in ClinVar:

NM_001942.4(DSG1):c.2410G>A (p.Gly804Ser)

Genes: DSG1 (desmoglein 1; plus strand), DSG1-AS1 (DSG1 antisense RNA 1; minus strand), LOC126862720 (MED14-independent group 3 enhancer GRCh37_chr18:28933613-28934812; plus strand). Cytogenetic location: 18q12.1.
Variant type: single nucleotide variant.
Coding change: c.2410G>A on transcript NM_001942.4 (MANE Select); coding-DNA position 2410, G replaced by A.
Protein change: p.Gly804Ser; replaces glycine 804 with serine.
Molecular consequence: missense variant.
Genome position (GRCh38, 1-based): chr18:31,354,606, G>A. VCF-style: chr18-31354606-G-A. GRCh37 (hg19) VCF-style: chr18-28934569-G-A.
Other names: c.2410G>A (NM_001942.3); short protein forms G804S.
Identifiers: ClinVar variation 1421289 (VCV001421289.9), dbSNP rs199583514, ClinGen allele CA8926352.

ClinVar aggregate classification (germline): Uncertain significance. Review status: criteria provided, multiple submitters, no conflicts (2 of 4 stars). 4 submissions from 4 submitters: Uncertain significance (4). Last evaluated 2026-01-18.

Conditions:
Inborn genetic diseases. Identifiers: MedGen C0950123, MeSH D030342.
DSG1-related disorder. Also called: DSG1-related condition.

Allele frequency attached by ClinVar (database versions not stated): gnomAD 0.00005 and 0.00006; TOPMed 0.00006; ExAC 0.00008; ESP Exome Variant Server 0.00008; gnomAD exomes 0.00009.
gnomAD v4.1: 135 of 1,613,940 alleles (0.0084%); highest among the groups gnomAD compares: South Asian, 0.02%; no homozygotes.

Submissions (4):

Labcorp Genetics (formerly Invitae), Labcorp
Classification: Uncertain significance. Last evaluated: 2026-01-18. Review status: criteria provided, single submitter. Criteria: Invitae Variant Classification Sherloc (09022015). Collection method: clinical testing. Allele origin: germline.
Comment: This sequence change replaces glycine, which is neutral and non-polar, with serine, which is neutral and polar, at codon 804 of the DSG1 protein (p.Gly804Ser). This variant is present in population databases (rs199583514, gnomAD 0.02%). This variant has not been reported in the literature in individuals affected with DSG1-related conditions. ClinVar contains an entry for this variant (Variation ID: 1421289). Invitae Evidence Modeling of protein sequence and biophysical properties (such as structural, functional, and spatial information, amino acid conservation, physicochemical variation, residue mobility, and thermodynamic stability) indicates that this missense variant is not expected to disrupt DSG1 protein function with a negative predictive value of 80%. In summary, the available evidence is currently insufficient to determine the role of this variant in disease. Therefore, it has been classified as a Variant of Uncertain Significance.

Ambry Genetics
Classification: Uncertain significance for Inborn genetic diseases. Last evaluated: 2025-08-29. Review status: criteria provided, single submitter. Criteria: Ambry Variant Classification Scheme 2023. Collection method: clinical testing. Allele origin: germline.

PreventionGenetics, part of Exact Sciences
Classification: Uncertain significance for DSG1-related condition. Last evaluated: 2025-03-09. Review status: criteria provided, single submitter. Criteria: ACMG Guidelines, 2015. Collection method: clinical testing. Allele origin: germline.
Comment: The DSG1 c.2410G>A variant is predicted to result in the amino acid substitution p.Gly804Ser. To our knowledge, this variant has not been reported in the literature. This variant is reported in 0.020% of alleles in individuals of South Asian descent in gnomAD. At this time, the clinical significance of this variant is uncertain due to the absence of conclusive functional and genetic evidence.

GeneDx
Classification: Uncertain significance. Last evaluated: 2022-06-30. Review status: criteria provided, single submitter. Criteria: GeneDx Variant Classification Process June 2021. Collection method: clinical testing. Allele origin: germline. Affected: yes.
Comment: Has not been previously published as pathogenic or benign to our knowledge; In silico analysis supports that this missense variant does not alter protein structure/function